The following is an entry in ClinVar:

NM_000170.3(GLDC):c.560C>A (p.Thr187Lys)

Gene: GLDC (glycine decarboxylase; minus strand). Cytogenetic location: 9p24.1.
Variant type: single nucleotide variant.
Coding change: c.560C>A on transcript NM_000170.3 (MANE Select); coding-DNA position 560, C replaced by A.
Protein change: p.Thr187Lys; replaces threonine 187 with lysine.
Molecular consequence: missense variant.
Genome position (GRCh38, 1-based): chr9:6,610,267, G>T on the plus strand (C>A on the coding strand, the complement: GLDC is on the minus strand). VCF-style: chr9-6610267-G-T. GRCh37 (hg19) VCF-style: chr9-6610267-G-T.
Other names: short protein forms T187K.
Identifiers: ClinVar variation 56100 (VCV000056100.2), dbSNP rs386833582, ClinGen allele CA263429.

ClinVar aggregate classification (germline): Likely pathogenic (0 of 4 stars; one submission).

Conditions:
Glycine encephalopathy. Also called: Nonketotic hyperglycinemia; Non-ketotic hyperglycinemia. Identifiers: Orphanet 407, MedGen C0751748, MONDO:0011612, HP:0008288.

Submission:

Juha Muilu Group; Institute for Molecular Medicine Finland (FIMM)
Classification: Likely pathogenic for Non-ketotic hyperglycinemia. Review status: no assertion criteria provided. Collection method: not provided. Allele origin: unknown.
Comment: FinDis database variant: This variant was not found or characterized by our laboratory, data were collected from public sources: see reference
ClinVar note: Converted during submission from probable-pathogenic to Likely pathogenic.